The following is an entry in ClinVar:

ClinVar aggregate classification (germline): Likely benign (0 of 4 stars; one submission).

Conditions:
PCSK5-related disorder. Also called: PCSK5-related condition.

Allele frequency attached by ClinVar (database versions not stated): 1000 Genomes Project 30x 0.00094; 1000 Genomes Project 0.00120; TOPMed 0.00156; gnomAD 0.00203; ExAC 0.00213; ESP Exome Variant Server 0.00215.
gnomAD v4.1: 5,143 of 1,613,582 alleles (0.32%); highest among the groups gnomAD compares: Non-Finnish European, 0.38%; 10 homozygotes.

Submission:

PreventionGenetics, part of Exact Sciences
Classification: Likely benign for PCSK5-related condition. Last evaluated: 2020-06-08. Review status: no assertion criteria provided. Collection method: clinical testing. Allele origin: germline.
Comment: This variant is classified as likely benign based on ACMG/AMP sequence variant interpretation guidelines (Richards et al. 2015 PMID: 25741868, with internal and published modifications).

NM_001372043.1(PCSK5):c.1137G>A (p.Thr379=)

Gene: PCSK5 (proprotein convertase subtilisin/kexin type 5; plus strand). Cytogenetic location: 9q21.13.
Variant type: single nucleotide variant.
Coding change: c.1137G>A on transcript NM_001372043.1 (MANE Select); coding-DNA position 1137, G replaced by A.
Protein change: p.Thr379=; no amino-acid change (threonine 379 retained).
Molecular consequence: synonymous variant. On other transcripts: non-coding transcript variant (1).
Genome position (GRCh38, 1-based): chr9:76,107,280, G>A. VCF-style: chr9-76107280-G-A. GRCh37 (hg19) VCF-style: chr9-78722196-G-A.
Other names: c.1137G>A, p.Thr379= (NM_001190482.2, NM_006200.6).
Identifiers: ClinVar variation 3037377 (VCV003037377.2), dbSNP rs41310061, ClinGen allele CA5086621.